The following is an entry in ClinVar:

NM_005120.3(MED12):c.4416-66_4416-65insTTTCT

Gene: MED12 (mediator complex subunit 12; plus strand). Cytogenetic location: Xq13.1.
Variant type: Insertion.
Coding change: c.4416-66_4416-65insTTTCT on transcript NM_005120.3 (MANE Select); 66 bases into the intron before coding-DNA position 4416 through 65 bases into the intron before coding-DNA position 4416, TTTCT inserted.
Molecular consequence: intron variant.
Genome position: GRCh38 VCF-style: chrX-71132775-C-CTTCTT. GRCh37 (hg19) VCF-style: chrX-70352625-C-CTTCTT.
Identifiers: ClinVar variation 2660847 (VCV002660847.24), dbSNP rs1242079567, ClinGen allele CA516725946.
Genomic context (GRCh38, chrX:71,132,775, plus strand): 5'-TTGGAAGTTGACTCCCAACCCACAGTCTCCCTTTTCTCCTCTCCTCTTCTCTCCTCTTCT[C>CTTCTT]TTCTCTTCTCTTCTCTTCTCTTCTCTTCTCTTCTCTTCTCTTCTCTTCTCTTCTTTCTCT-3'

ClinVar aggregate classification (germline): Likely benign (1 of 4 stars; one submission).

Submission:

CeGaT Center for Human Genetics Tuebingen
Classification: Likely benign. Last evaluated: 2023-04-01. Review status: criteria provided, single submitter. Criteria: CeGaT Center For Human Genetics Tuebingen Variant Classification Criteria Version 2. Collection method: clinical testing. Allele origin: germline. Affected: yes. Observed: 1 variant allele.
Comment: MED12: BS2